The following is an entry in ClinVar:

ClinVar aggregate classification (germline): Conflicting classifications of pathogenicity. Review status: criteria provided, conflicting classifications (1 of 4 stars). 12 submissions from 12 submitters: Uncertain significance (8); Likely benign (3). 1 of the submissions does not count toward it. Last evaluated 2025-08-27.

Conditions:
Hereditary cancer-predisposing syndrome. Also called: Tumor predisposition; Neoplastic Syndromes, Hereditary; Hereditary neoplastic syndrome; Hereditary Cancer Syndrome. Identifiers: Orphanet 140162, MedGen C0027672, MeSH D009386, MONDO:0015356.
Hereditary breast ovarian cancer syndrome. Also called: Hereditary breast and ovarian cancer syndrome; Hereditary breast and ovarian cancer syndrome (HBOC); Hereditary breast and ovarian cancer; Breast and ovarian cancer; BRCA1- and BRCA2-Associated Hereditary Breast and Ovarian Cancer; Hereditary breast and/or ovarian cancer syndrome. Identifiers: Orphanet 145, MedGen C0677776, MeSH D061325, MONDO:0003582. Disease mechanism: loss of function.
Breast-ovarian cancer, familial, susceptibility to, 2 (BROVCA2). Also called: BRCA2 Hereditary Breast and Ovarian Cancer. Identifiers: Orphanet 145, MedGen C2675520, MONDO:0012933, OMIM 612555. Disease mechanism: loss of function.

Allele frequency attached by ClinVar (database versions not stated): TOPMed below 0.00001; gnomAD 0.00002.
gnomAD v4.1: 5 of 1,613,860 alleles (0.00031%); highest among the groups gnomAD compares: African/African-American, 0.0027%; no homozygotes.

Submissions (12):

GeneDx
Classification: Uncertain significance. Last evaluated: 2025-08-27. Review status: criteria provided, single submitter. Criteria: GeneDx Variant Classification Process June 2021. Collection method: clinical testing. Allele origin: germline. Affected: yes.
Comment: Not observed at significant frequency in large population cohorts (gnomAD); In silico analysis suggests that this missense variant does not alter protein structure/function; Observed in individuals with breast cancer (PMID: 29088781); Also known as 2617A>G; This variant is associated with the following publications: (PMID: 31853058, 32377563, 29884841, 29088781)

Labcorp Genetics (formerly Invitae), Labcorp
Classification: Uncertain significance for Hereditary breast ovarian cancer syndrome. Last evaluated: 2025-01-26. Review status: criteria provided, single submitter. Criteria: Invitae Variant Classification Sherloc (09022015). Collection method: clinical testing. Allele origin: germline.
Comment: This sequence change replaces lysine, which is basic and polar, with glutamic acid, which is acidic and polar, at codon 797 of the BRCA2 protein (p.Lys797Glu). This variant is present in population databases (rs587782737, gnomAD no frequency). This variant has not been reported in the literature in individuals affected with BRCA2-related conditions. ClinVar contains an entry for this variant (Variation ID: 188307). Invitae Evidence Modeling of protein sequence and biophysical properties (such as structural, functional, and spatial information, amino acid conservation, physicochemical variation, residue mobility, and thermodynamic stability) indicates that this missense variant is not expected to disrupt BRCA2 protein function with a negative predictive value of 95%. In summary, the available evidence is currently insufficient to determine the role of this variant in disease. Therefore, it has been classified as a Variant of Uncertain Significance.

Blueprint Genetics
Classification: Likely benign. Last evaluated: 2024-08-06. Review status: criteria provided, single submitter. Criteria: ACMG Guidelines, 2015. Collection method: clinical testing. Allele origin: germline.

All of Us Research Program, National Institutes of Health
Classification: Uncertain significance for Breast-ovarian cancer, familial, susceptibility to, 2. Last evaluated: 2023-12-07. Review status: criteria provided, single submitter. Criteria: ACMG Guidelines, 2015. Collection method: clinical testing. Allele origin: germline. Inheritance: Autosomal dominant inheritance. Observed: 3 variant alleles, 3 heterozygotes.
Comment: This missense variant replaces lysine with glutamic acid at codon 797 of the BRCA2 protein. Computational prediction suggests that this variant may not impact protein structure and function (internally defined REVEL score threshold <= 0.5, PMID: 27666373). To our knowledge, functional studies have not been reported for this variant. This variant has not been reported in individuals affected with BRCA2-related disorders in the literature. This variant has been identified in 1/31410 chromosomes in the general population by the Genome Aggregation Database (gnomAD). The available evidence is insufficient to determine the role of this variant in disease conclusively. Therefore, this variant is classified as a Variant of Uncertain Significance.

This study involves interpretation of variants in research participants for the purpose of population health screening. Participant phenotype was not available at the time of variant classification. Additional details can be found in publication PMID: 35346344, PMCID: PMC8962531

Color Diagnostics, LLC DBA Color Health
Classification: Uncertain significance for Hereditary cancer-predisposing syndrome. Last evaluated: 2023-05-04. Review status: criteria provided, single submitter. Criteria: ACMG Guidelines, 2015. Collection method: clinical testing. Allele origin: germline.
Comment: This missense variant replaces lysine with glutamic acid at codon 797 of the BRCA2 protein. Computational prediction suggests that this variant may not impact protein structure and function (internally defined REVEL score threshold <= 0.5, PMID: 27666373). To our knowledge, functional studies have not been reported for this variant. This variant has not been reported in individuals affected with BRCA2-related disorders in the literature. This variant has been identified in 1/31410 chromosomes in the general population by the Genome Aggregation Database (gnomAD). The available evidence is insufficient to determine the role of this variant in disease conclusively. Therefore, this variant is classified as a Variant of Uncertain Significance.

University of Washington Department of Laboratory Medicine, University of Washington
Classification: Likely benign for Hereditary cancer-predisposing syndrome. Last evaluated: 2023-03-23. Review status: criteria provided, single submitter. Criteria: Dines et al. (Genet Med. 2020). Collection method: curation. Allele origin: germline.
Comment: Missense variant in a coldspot region where missense variants are very unlikely to be pathogenic (PMID:31911673).

BRCA2 exon 11 coldspot. Reclassification based on statistical prior probability.

Women's Health and Genetics/Laboratory Corporation of America, LabCorp
Classification: Uncertain significance. Last evaluated: 2021-11-17. Review status: criteria provided, single submitter. Criteria: LabCorp Variant Classification Summary - May 2015. Collection method: clinical testing. Allele origin: germline.

ARUP Laboratories, Molecular Genetics and Genomics, ARUP Laboratories
Classification: Uncertain significance. Last evaluated: 2020-10-15. Review status: criteria provided, single submitter. Criteria: ARUP Molecular Germline Variant Investigation Process 2021. Collection method: clinical testing. Allele origin: germline.
Comment: The BRCA2 c.2389A>G; p.Lys797Glu variant (rs587782737), to our knowledge, is not reported in the medical literature but is reported in ClinVar (Variation ID: 188307). This variant is found on a single chromosome (1/31410 alleles) in the Genome Aggregation Database. The lysine at codon 797 is moderately conserved, and computational analyses predict that this variant is neutral (REVEL: 0.122). However, due to limited information, the clinical significance of the p.Lys797Glu variant is uncertain at this time.

Quest Diagnostics Nichols Institute San Juan Capistrano
Classification: Uncertain significance. Last evaluated: 2019-01-30. Review status: criteria provided, single submitter. Criteria: Quest Diagnostics criteria. Collection method: clinical testing. Allele origin: germline.

Ambry Genetics
Classification: Likely benign for Hereditary cancer-predisposing syndrome. Last evaluated: 2018-10-29. Review status: criteria provided, single submitter. Criteria: Ambry Variant Classification Scheme 2023. Collection method: clinical testing. Allele origin: germline.

Department of Pathology and Molecular Medicine, Queen's University
Classification: Uncertain significance. Last evaluated: 2017-04-20. Review status: criteria provided, single submitter. Criteria: ACMG Guidelines, 2015. Collection method: clinical testing. Allele origin: germline. Study: The Canadian Open Genetics Repository (COGR).

Department of Pathology and Laboratory Medicine, Sinai Health System
Classification: Uncertain significance. Review status: no assertion criteria provided. Collection method: clinical testing. Allele origin: unknown. Affected: yes. Study: The Canadian Open Genetics Repository (COGR). Not counted in ClinVar's aggregate classification.
Comment: The BRCA2 p.Lys797Glu variant was not identified in the literature nor was it identified in the LOVD 3.0 or UMD LSDB databases. The variant was identified in dSNP (rs587782737) as "With Uncertain significance allele", and in ClinVar (classified as uncertain significance by Invitae, and COGR; as likely benign by Ambry Genetics). The variant was identified in control databases in 1 of 30976 chromosomes at a frequency of 0.00003 (Genome Aggregation Database Feb 27, 2017). The variant was observed in the Other population in 1 of 982 chromosomes (freq: 0.001), while the variant was not observed in the European, African, Latino, Ashkenazi Jewish, East Asian, Finnish, and South Asian populations. The p.Lys797 residue is not conserved in mammals, and computational analyses (PolyPhen-2, SIFT, AlignGVGD, BLOSUM, MutationTaster) do not suggest a high likelihood of impact to the protein; this information is not predictive enough to rule out pathogenicity. The variant occurs outside of the splicing consensus sequence and in silico or computational prediction software programs (SpliceSiteFinder, MaxEntScan, NNSPLICE, GeneSplicer) do not predict a difference in splicing. In summary, based on the above information, the clinical significance of this variant cannot be determined with certainty at this time. This variant is classified as a variant of uncertain significance.

NM_000059.4(BRCA2):c.2389A>G (p.Lys797Glu)

Gene: BRCA2 (BRCA2 DNA repair associated; plus strand). Cytogenetic location: 13q13.1.
Variant type: single nucleotide variant.
Coding change: c.2389A>G on transcript NM_000059.4 (MANE Select); coding-DNA position 2389, A replaced by G.
Protein change: p.Lys797Glu; replaces lysine 797 with glutamic acid.
Molecular consequence: missense variant.
Genome position (GRCh38, 1-based): chr13:32,336,744, A>G. VCF-style: chr13-32336744-A-G. GRCh37 (hg19) VCF-style: chr13-32910881-A-G.
Other names: short protein forms K797E.
Identifiers: ClinVar variation 188307 (VCV000188307.33), dbSNP rs587782737, ClinGen allele CA015104.